The following is an entry in ClinVar:

NM_002772.3(TMPRSS15):c.1565C>T (p.Thr522Met)

Gene: TMPRSS15 (transmembrane serine protease 15; minus strand). Cytogenetic location: 21q21.1.
Variant type: single nucleotide variant.
Coding change: c.1565C>T on transcript NM_002772.3 (MANE Select); coding-DNA position 1565, C replaced by T.
Protein change: p.Thr522Met; replaces threonine 522 with methionine.
Molecular consequence: missense variant.
Genome position (GRCh38, 1-based): chr21:18,332,173, G>A on the plus strand (C>T on the coding strand, the complement: TMPRSS15 is on the minus strand). VCF-style: chr21-18332173-G-A. GRCh37 (hg19) VCF-style: chr21-19704490-G-A.
Other names: c.1565C>T (NM_002772.2); short protein forms T522M.
Identifiers: ClinVar variation 2045543 (VCV002045543.2), dbSNP rs146718638, ClinGen allele CA9984376.

ClinVar aggregate classification (germline): Uncertain significance. Review status: criteria provided, multiple submitters, no conflicts (2 of 4 stars). 2 submissions from 2 submitters: Uncertain significance (2). Last evaluated 2024-09-06.

Allele frequency attached by ClinVar (database versions not stated): 1000 Genomes Project 0.00020; TOPMed 0.00023; ExAC 0.00026; gnomAD 0.00027; 1000 Genomes Project 30x 0.00031; ESP Exome Variant Server 0.00046.
gnomAD v4.1: 919 of 1,613,192 alleles (0.057%); highest among the groups gnomAD compares: Non-Finnish European, 0.074%; no homozygotes.

Submissions (2):

GeneDx
Classification: Uncertain significance. Last evaluated: 2024-09-06. Review status: criteria provided, single submitter. Criteria: GeneDx Variant Classification Process June 2021. Collection method: clinical testing. Allele origin: germline. Affected: yes.
Comment: In silico analysis indicates that this missense variant does not alter protein structure/function; Has not been previously published as pathogenic or benign to our knowledge

Labcorp Genetics (formerly Invitae), Labcorp
Classification: Uncertain significance. Last evaluated: 2022-05-16. Review status: criteria provided, single submitter. Criteria: Invitae Variant Classification Sherloc (09022015). Collection method: clinical testing. Allele origin: germline.
Comment: This sequence change replaces threonine, which is neutral and polar, with methionine, which is neutral and non-polar, at codon 522 of the TMPRSS15 protein (p.Thr522Met). This variant is present in population databases (rs146718638, gnomAD 0.05%). This variant has not been reported in the literature in individuals affected with TMPRSS15-related conditions. Algorithms developed to predict the effect of missense changes on protein structure and function are either unavailable or do not agree on the potential impact of this missense change (SIFT: "Not Available"; PolyPhen-2: "Probably Damaging"; Align-GVGD: "Not Available"). In summary, the available evidence is currently insufficient to determine the role of this variant in disease. Therefore, it has been classified as a Variant of Uncertain Significance.